The following is an entry in ClinVar:

NM_001378454.1(ALMS1):c.7367T>C (p.Ile2456Thr)

Gene: ALMS1 (ALMS1 centrosome and basal body associated protein; plus strand). Cytogenetic location: 2p13.1.
Variant type: single nucleotide variant.
Coding change: c.7367T>C on transcript NM_001378454.1 (MANE Select); coding-DNA position 7367, T replaced by C.
Protein change: p.Ile2456Thr; replaces isoleucine 2456 with threonine.
Molecular consequence: missense variant.
Genome position (GRCh38, 1-based): chr2:73,453,894, T>C. VCF-style: chr2-73453894-T-C. GRCh37 (hg19) VCF-style: chr2-73681021-T-C.
Other names: c.7370T>C, p.Ile2457Thr (NM_015120.4); short protein forms I2457T, I2456T.
Identifiers: ClinVar variation 529395 (VCV000529395.10), dbSNP rs894421376, ClinGen allele CA50398535.

ClinVar aggregate classification (germline): Conflicting classifications of pathogenicity. Review status: criteria provided, conflicting classifications (1 of 4 stars). 3 submissions from 3 submitters: Uncertain significance (1); Likely benign (1). 1 of the submissions does not count toward it. Last evaluated 2024-12-31.

Conditions:
Cardiovascular phenotype. Identifiers: MedGen CN230736.
Alstrom syndrome (ALMS). Identifiers: Orphanet 64, MedGen C0268425, MONDO:0008763, OMIM 203800.

Allele frequency attached by ClinVar (database versions not stated): gnomAD exomes 0.00001; gnomAD 0.00005; TOPMed 0.00007.
gnomAD v4.1: 13 of 1,613,974 alleles (0.00081%); highest among the groups gnomAD compares: African/African-American, 0.015%; no homozygotes.

Submissions (3):

Ambry Genetics
Classification: Likely benign for Cardiovascular phenotype. Last evaluated: 2024-12-31. Review status: criteria provided, single submitter. Criteria: Ambry Variant Classification Scheme 2023. Collection method: clinical testing. Allele origin: germline.

Labcorp Genetics (formerly Invitae), Labcorp
Classification: Uncertain significance for Alstrom syndrome. Last evaluated: 2022-09-01. Review status: criteria provided, single submitter. Criteria: Invitae Variant Classification Sherloc (09022015). Collection method: clinical testing. Allele origin: germline.
Comment: This sequence change replaces isoleucine, which is neutral and non-polar, with threonine, which is neutral and polar, at codon 2457 of the ALMS1 protein (p.Ile2457Thr). This variant is present in population databases (no rsID available, gnomAD 0.02%). This variant has not been reported in the literature in individuals affected with ALMS1-related conditions. ClinVar contains an entry for this variant (Variation ID: 529395). Experimental studies and prediction algorithms are not available or were not evaluated, and the functional significance of this variant is currently unknown. In summary, the available evidence is currently insufficient to determine the role of this variant in disease. Therefore, it has been classified as a Variant of Uncertain Significance.

Natera, Inc.
Classification: Uncertain significance for Alstrom syndrome. Last evaluated: 2021-03-10. Review status: no assertion criteria provided. Collection method: clinical testing. Allele origin: germline. Not counted in ClinVar's aggregate classification.